The following is an entry in ClinVar:

ClinVar aggregate classification (germline): Likely benign (0 of 4 stars; one submission).

Conditions:
DNAH7-related disorder. Also called: DNAH7-related condition.

Allele frequency attached by ClinVar (database versions not stated): gnomAD exomes 0.00002; TOPMed 0.00002; ESP Exome Variant Server 0.00008; ExAC 0.00011.
gnomAD v4.1: 41 of 1,613,260 alleles (0.0025%); highest among the groups gnomAD compares: Middle Eastern, 0.17%; no homozygotes.

Submission:

PreventionGenetics, part of Exact Sciences
Classification: Likely benign for DNAH7-related condition. Last evaluated: 2019-02-28. Review status: no assertion criteria provided. Collection method: clinical testing. Allele origin: germline.
Comment: This variant is classified as likely benign based on ACMG/AMP sequence variant interpretation guidelines (Richards et al. 2015 PMID: 25741868, with internal and published modifications).

NM_018897.3(DNAH7):c.1069T>C (p.Leu357=)

Gene: DNAH7 (dynein axonemal heavy chain 7; minus strand). Cytogenetic location: 2q32.3.
Variant type: single nucleotide variant.
Coding change: c.1069T>C on transcript NM_018897.3 (MANE Select); coding-DNA position 1069, T replaced by C.
Protein change: p.Leu357=; no amino-acid change (leucine 357 retained).
Molecular consequence: synonymous variant.
Genome position (GRCh38, 1-based): chr2:196,001,779, A>G on the plus strand (T>C on the coding strand, the complement: DNAH7 is on the minus strand). VCF-style: chr2-196001779-A-G. GRCh37 (hg19) VCF-style: chr2-196866503-A-G.
Identifiers: ClinVar variation 3058638 (VCV003058638.2), dbSNP rs370736802, ClinGen allele CA2036761.